The following is an entry in ClinVar:

ClinVar aggregate classification (germline): Uncertain significance. Review status: criteria provided, multiple submitters, no conflicts (2 of 4 stars). 2 submissions from 2 submitters: Uncertain significance (2). Last evaluated 2025-04-08.

Submissions (2):

Women's Health and Genetics/Laboratory Corporation of America, LabCorp
Classification: Uncertain significance. Last evaluated: 2025-04-08. Review status: criteria provided, single submitter. Criteria: LabCorp Variant Classification Summary - May 2015. Collection method: clinical testing. Allele origin: germline.
Comment: Variant summary: PKD1 c.29_46del18 (p.Ala10_Leu15del) results in an in-frame deletion that is predicted to remove 6 amino acids from the encoded protein. The variant was absent in 24460 control chromosomes. The available data on variant occurrences in the general population are insufficient to allow any conclusion about variant significance. c.29_46del18 has been reported in the literature in one individual affected with Polycystic Kidney Disease 1 (Rossetti_2007). These data do not allow any conclusion about variant significance. To our knowledge, no experimental evidence demonstrating an impact on protein function has been reported. The following publication has been ascertained in the context of this evaluation (PMID: 17582161). ClinVar contains an entry for this variant (Variation ID: 2662475). Based on the evidence outlined above, the variant was classified as uncertain significance.

GeneDx
Classification: Uncertain significance. Last evaluated: 2023-04-14. Review status: criteria provided, single submitter. Criteria: GeneDx Variant Classification Process June 2021. Collection method: clinical testing. Allele origin: germline. Affected: yes.
Comment: In-frame deletion of six amino acids in a non-repeat region; Not observed at significant frequency in large population cohorts (gnomAD); This variant is associated with the following publications: (PMID: 17582161)

Literature cited by the submitters: PubMed 17582161 (cited by Women's Health and Genetics/Laboratory Corporation of America, LabCorp).

NM_001009944.3(PKD1):c.29_46del (p.Ala10_Leu15del)

Gene: PKD1 (polycystin 1, transient receptor potential channel interacting; minus strand). Cytogenetic location: 16p13.3.
Variant type: Deletion.
Coding change: c.29_46del on transcript NM_001009944.3 (MANE Select); coding-DNA positions 29 to 46, 18 bases deleted (CGCTGGCCCTGGGCCTGG).
Protein change: p.Ala10_Leu15del.
Molecular consequence: inframe deletion. On other transcripts: inframe indel (1).
Genome position (GRCh38, 1-based): chr16:2,135,644-2,135,661, CCAGGCCCAGGGCCAGCG deleted on the plus strand (CGCTGGCCCTGGGCCTGG on the coding strand, the reverse complement: PKD1 is on the minus strand); deleting any 18 consecutive bases within chr16:2,135,644-2,135,667 gives the same sequence; the c. name uses the placement nearest the transcript's 3' end. VCF-style (leftmost placement, unchanged base first): chr16-2135643-CCCAGGCCCAGGGCCAGCG-C. GRCh37 (hg19) VCF-style: chr16-2185644-CCCAGGCCCAGGGCCAGCG-C.
Other names: c.29_46del, p.Ala10_Leu15del (NM_000296.4); c.23_40del18, p.Ala10_Leu15del (NM_001009944.2); c.29_46del18 (NM_001009944.3).
Identifiers: ClinVar variation 2662475 (VCV002662475.3), dbSNP rs2544960670, ClinGen allele CA2695197429.